The following is an entry in ClinVar:

ClinVar aggregate classification (germline): Pathogenic. Review status: criteria provided, multiple submitters, no conflicts (2 of 4 stars). 3 submissions from 3 submitters: Pathogenic (3). Last evaluated 2021-09-19.

Conditions:
Hereditary cancer-predisposing syndrome. Also called: Hereditary neoplastic syndrome; Hereditary Cancer Syndrome; Neoplastic Syndromes, Hereditary; Tumor predisposition. Identifiers: Orphanet 140162, MedGen C0027672, MeSH D009386, MONDO:0015356.
Multiple endocrine neoplasia, type 1 (MEN1). Also called: Endocrine adenomatosis multiple; MEN 1; MEA I; MEN I; WERMER SYNDROME. Identifiers: Orphanet 652, MedGen C0025267, MeSH D018761, MONDO:0007540, OMIM 131100.

Submissions (3):

Labcorp Genetics (formerly Invitae), Labcorp
Classification: Pathogenic for Multiple endocrine neoplasia, type 1. Last evaluated: 2021-09-19. Review status: criteria provided, single submitter. Criteria: Invitae Variant Classification Sherloc (09022015). Collection method: clinical testing. Allele origin: germline.
Comment: For these reasons, this variant has been classified as Pathogenic. Algorithms developed to predict the effect of sequence changes on RNA splicing suggest that this variant may disrupt the consensus splice site. ClinVar contains an entry for this variant (Variation ID: 419140). Disruption of this splice site has been observed in individuals with multiple endocrine neoplasia type 1 (MEN1) syndrome (Invitae). This variant is not present in population databases (ExAC no frequency). This sequence change affects an acceptor splice site in intron 2 of the MEN1 gene. It is expected to disrupt RNA splicing. Variants that disrupt the donor or acceptor splice site typically lead to a loss of protein function (PMID: 16199547), and loss-of-function variants in MEN1 are known to be pathogenic (PMID: 12112656, 17853334).

Ambry Genetics
Classification: Pathogenic for Hereditary cancer-predisposing syndrome. Last evaluated: 2019-10-18. Review status: criteria provided, single submitter. Criteria: Ambry Variant Classification Scheme 2023. Collection method: clinical testing. Allele origin: germline.
Comment: The c.446-1G>A intronic pathogenic mutation results from a G to A substitution one nucleotide upstream from coding exon 2 of the MEN1 gene. This alteration has been seen in multiple individuals with histories consistent with MEN1 syndrome (Ambry internal data). Alterations that disrupt the canonical splice site are expected to cause aberrant splicing, resulting in an abnormal protein or a transcript that is subject to nonsense-mediated mRNA decay. As such, this alteration is classified as a disease-causing mutation.

GeneDx
Classification: Pathogenic. Last evaluated: 2015-05-22. Review status: criteria provided, single submitter. Criteria: GeneDx Variant Classification (06012015). Collection method: clinical testing. Allele origin: germline. Affected: yes.
Comment: The c.446-1G>A splice site variant in the MEN1 gene destroys the canonical spliceacceptor site in intron 2. It is predicted to cause abnormal gene splicing, either leading to anabnormal message that is subject to nonsense-mediated mRNA decay, or to an abnormalprotein product if the message is used for protein translation. Although this variant hasnot been previously reported to our knowledge, we interpret it as pathogenic.

Literature cited by the submitters: PubMed 16199547 (cited by Labcorp Genetics (formerly Invitae), Labcorp); PubMed 12112656 (cited by Labcorp Genetics (formerly Invitae), Labcorp); PubMed 17853334 (cited by Labcorp Genetics (formerly Invitae), Labcorp).

NM_001370259.2(MEN1):c.446-1G>A

Gene: MEN1 (menin 1; minus strand). Cytogenetic location: 11q13.1.
Variant type: single nucleotide variant.
Coding change: c.446-1G>A on transcript NM_001370259.2 (MANE Select); the canonical splice acceptor site of the intron before coding-DNA position 446, G replaced by A.
Molecular consequence: splice acceptor variant.
Genome position (GRCh38, 1-based): chr11:64,808,100, C>T on the plus strand (G>A on the coding strand, the complement: MEN1 is on the minus strand). VCF-style: chr11-64808100-C-T. GRCh37 (hg19) VCF-style: chr11-64575572-C-T.
Other names: c.461-1G>A (NM_130804.3, NM_130803.3, NM_000244.4 and 5 more transcripts); c.446-1G>A (NM_001407148.1, NM_130799.3, NM_001407144.1 and 12 more transcripts).
Identifiers: ClinVar variation 419140 (VCV000419140.12), dbSNP rs1064793672, ClinGen allele CA16619366.
Genomic context (GRCh38, chr11:64,808,100, plus strand): 5'-CCAGGGCCTGGCAGGCCCCAACCACAGCAAAGGCCACACCGGAGCTGTCCAATTTGGTGC[C>T]TGTGGAAGGGGGAGGTAATGAAAGAGGGTCCTCTGTGCTTTAACATGGGGAAAGGGGGCC-3'